The following is an entry in ClinVar:

ClinVar aggregate classification (germline): Uncertain significance (1 of 4 stars; one submission).

gnomAD v4.1: 7 of 1,614,076 alleles (0.00043%); highest among the groups gnomAD compares: Non-Finnish European, 0.00059%; no homozygotes.

Submission:

Labcorp Genetics (formerly Invitae), Labcorp
Classification: Uncertain significance. Last evaluated: 2024-03-31. Review status: criteria provided, single submitter. Criteria: Invitae Variant Classification Sherloc (09022015). Collection method: clinical testing. Allele origin: germline.
Comment: This sequence change replaces aspartic acid, which is acidic and polar, with asparagine, which is neutral and polar, at codon 368 of the ZIC1 protein (p.Asp368Asn). This variant is not present in population databases (gnomAD no frequency). This variant has not been reported in the literature in individuals affected with ZIC1-related conditions. Advanced modeling of protein sequence and biophysical properties (such as structural, functional, and spatial information, amino acid conservation, physicochemical variation, residue mobility, and thermodynamic stability) performed at Invitae indicates that this missense variant is not expected to disrupt ZIC1 protein function with a negative predictive value of 80%. In summary, the available evidence is currently insufficient to determine the role of this variant in disease. Therefore, it has been classified as a Variant of Uncertain Significance.

NM_003412.4(ZIC1):c.1102G>A (p.Asp368Asn)

Gene: ZIC1 (Zic family zinc finger 1; plus strand). Cytogenetic location: 3q24.
Variant type: single nucleotide variant.
Coding change: c.1102G>A on transcript NM_003412.4 (MANE Select); coding-DNA position 1102, G replaced by A.
Protein change: p.Asp368Asn; replaces aspartic acid 368 with asparagine.
Molecular consequence: missense variant.
Genome position (GRCh38, 1-based): chr3:147,412,637, G>A. VCF-style: chr3-147412637-G-A. GRCh37 (hg19) VCF-style: chr3-147130424-G-A.
Other names: short protein forms D368N.
Identifiers: ClinVar variation 3711089 (VCV003711089.2).